The following is an entry in ClinVar:

ClinVar aggregate classification (germline): Uncertain significance. Review status: criteria provided, multiple submitters, no conflicts (2 of 4 stars). 2 submissions from 2 submitters: Uncertain significance (2). Last evaluated 2023-06-26.

Conditions:
Malignant hyperthermia, susceptibility to, 5 (MHS5). Also called: CACNA1S-Related Malignant Hyperthermia Susceptibility. Identifiers: Orphanet 423, MedGen C1866077, MONDO:0011163, OMIM 601887.

gnomAD v4.1: 1 of 1,613,968 alleles (0.000062%); highest among the groups gnomAD compares: East Asian, 0.0022%; no homozygotes.

Submissions (2):

All of Us Research Program, National Institutes of Health
Classification: Uncertain significance for Malignant hyperthermia, susceptibility to, 5. Last evaluated: 2023-06-26. Review status: criteria provided, single submitter. Criteria: ACMG Guidelines, 2015. Collection method: clinical testing. Allele origin: germline. Inheritance: Autosomal dominant inheritance. Observed: 1 variant allele, 1 heterozygote.
Comment: This missense variant replaces threonine with lysine at codon 236 of the CACNA1S protein. Computational prediction is inconclusive regarding the impact of this variant on protein structure and function (internally defined REVEL score threshold 0.5 < inconclusive < 0.7, PMID: 27666373). To our knowledge, functional studies have not been reported for this variant. This variant has not been reported in individuals affected with CACNA1S-related disorders in the literature. This variant has not been identified in the general population by the Genome Aggregation Database (gnomAD). The available evidence is insufficient to determine the role of this variant in disease conclusively. Therefore, this variant is classified as a Variant of Uncertain Significance.

This study involves interpretation of variants in research participants for the purpose of population health screening. Participant phenotype was not available at the time of variant classification. Additional details can be found in publication PMID: 35346344, PMCID: PMC8962531

GeneDx
Classification: Uncertain significance. Last evaluated: 2017-11-02. Review status: criteria provided, single submitter. Criteria: GeneDx Variant Classification (06012015). Collection method: clinical testing. Allele origin: germline. Affected: yes.
Comment: A variant of uncertain significance has been identified in the CACNA1S gene. The T236K variant has not been published as a pathogenic variant, nor has it been reported as a benign variant to our knowledge. The T236K variant is not observed in large population cohorts (Lek et al., 2016). The T236K variant is a semi-conservative amino acid substitution, which may impact secondary protein structure as these residues differ in some properties. This substitution occurs at a position that is conserved across species; and in silico analysis predicts this variant is probably damaging to the protein structure/function. Based on the currently available information, it is unclear whether this variant is a pathogenic variant or a rare benign variant.

NM_000069.3(CACNA1S):c.707C>A (p.Thr236Lys)

Gene: CACNA1S (calcium voltage-gated channel subunit alpha1 S; minus strand). Cytogenetic location: 1q32.1.
Variant type: single nucleotide variant.
Coding change: c.707C>A on transcript NM_000069.3 (MANE Select); coding-DNA position 707, C replaced by A.
Protein change: p.Thr236Lys; replaces threonine 236 with lysine.
Molecular consequence: missense variant.
Genome position (GRCh38, 1-based): chr1:201,089,451, G>T on the plus strand (C>A on the coding strand, the complement: CACNA1S is on the minus strand). VCF-style: chr1-201089451-G-T. GRCh37 (hg19) VCF-style: chr1-201058579-G-T.
Other names: short protein forms T236K.
Identifiers: ClinVar variation 453092 (VCV000453092.3), dbSNP rs767790285, ClinGen allele CA344137035.
Genomic context (GRCh38, chr1:201,089,451, plus strand): 5'-ATGGTGCACCGGCGCCCTGAGCCCGTCCTGGCGCAGGGCGATGGCTCTTCATTCTCCACC[G>T]TGGCCACGATATCTGGAGGCAGAAGGCAAAGGGAACATCAGACAACAGTAGTAGGTGGAC-3'
Protein context (NP_000060.2, residues 226-246): CYFIGTDIVA[Thr236Lys]VENEEPSPCA